The following is an entry in ClinVar:

NM_058216.3(RAD51C):c.624T>G (p.Ile208Met)

Genes: RAD51C (RAD51 paralog C; plus strand), LOC129390903 (MPRA-validated peak2919 silencer; plus strand). Cytogenetic location: 17q22.
Variant type: single nucleotide variant.
Coding change: c.624T>G on transcript NM_058216.3 (MANE Select); coding-DNA position 624, T replaced by G.
Protein change: p.Ile208Met; replaces isoleucine 208 with methionine.
Molecular consequence: missense variant. On other transcripts: non-coding transcript variant (1).
Genome position (GRCh38, 1-based): chr17:58,703,248, T>G. VCF-style: chr17-58703248-T-G. GRCh37 (hg19) VCF-style: chr17-56780609-T-G.
Other names: short protein forms I208M.
Identifiers: ClinVar variation 1692065 (VCV001692065.6), dbSNP rs775006411, ClinGen allele CA8677284.

ClinVar aggregate classification (germline): Uncertain significance. Review status: criteria provided, multiple submitters, no conflicts (2 of 4 stars). 2 submissions from 2 submitters: Uncertain significance (2). Last evaluated 2021-12-23.

Conditions:
Hereditary cancer-predisposing syndrome. Also called: Neoplastic Syndromes, Hereditary; Hereditary Cancer Syndrome; Tumor predisposition; Hereditary neoplastic syndrome. Identifiers: Orphanet 140162, MedGen C0027672, MeSH D009386, MONDO:0015356.
Fanconi anemia complementation group O. Also called: RAD51C-Related Fanconi Anemia. Identifiers: Orphanet 84, MedGen C3150653, MONDO:0013248, OMIM 613390.

Allele frequency attached by ClinVar (database versions not stated): gnomAD exomes below 0.00001; ExAC 0.00001.

Submissions (2):

Labcorp Genetics (formerly Invitae), Labcorp
Classification: Uncertain significance for Fanconi anemia complementation group O. Last evaluated: 2021-12-23. Review status: criteria provided, single submitter. Criteria: Invitae Variant Classification Sherloc (09022015). Collection method: clinical testing. Allele origin: germline.
Comment: Algorithms developed to predict the effect of missense changes on protein structure and function are either unavailable or do not agree on the potential impact of this missense change (SIFT: "Deleterious"; PolyPhen-2: "Possibly Damaging"; Align-GVGD: "Class C0"). This sequence change replaces isoleucine, which is neutral and non-polar, with methionine, which is neutral and non-polar, at codon 208 of the RAD51C protein (p.Ile208Met). This variant is present in population databases (rs775006411, gnomAD 0.0009%). This variant has not been reported in the literature in individuals affected with RAD51C-related conditions. In summary, the available evidence is currently insufficient to determine the role of this variant in disease. Therefore, it has been classified as a Variant of Uncertain Significance.

Sema4
Classification: Uncertain significance for Hereditary cancer-predisposing syndrome. Last evaluated: 2021-10-22. Review status: criteria provided, single submitter. Criteria: Sema4 Curation Guidelines. Collection method: curation. Allele origin: germline.
Comment: The RAD51C c.624T>G (p.I208M) variant has not been reported in the literature to our knowledge. It was observed in 1/251250 chromosomes in the large and broad cohorts of the Genome Aggregation Database (PMID: 32461654). The variant has not been reported in ClinVar. Functional studies have not been performed, and in silico predictions of the variant's effect on protein function are inconclusive. The evidence is insufficient to meet ACMG/AMP criteria for classifying the variant as benign or pathogenic. Thus, the clinical significance of this variant is currently uncertain.